The following is an entry in ClinVar:

ClinVar aggregate classification (germline): Uncertain significance. Review status: criteria provided, multiple submitters, no conflicts (2 of 4 stars). 2 submissions from 2 submitters: Uncertain significance (2). Last evaluated 2025-10-07.

Conditions:
Fanconi anemia complementation group J. Also called: BRIP1-Related Fanconi Anemia. Identifiers: Orphanet 84, MedGen C1836860, MONDO:0012187, OMIM 609054.
Familial cancer of breast. Also called: BREAST CANCER, FAMILIAL; hereditary breast carcinoma; Hereditary breast cancer. Identifiers: Orphanet 227535, MedGen C0346153, MONDO:0016419, OMIM 114480. Disease mechanism: loss of function.
Hereditary cancer-predisposing syndrome. Also called: Neoplastic Syndromes, Hereditary; Hereditary neoplastic syndrome; Tumor predisposition; Hereditary Cancer Syndrome. Identifiers: Orphanet 140162, MedGen C0027672, MeSH D009386, MONDO:0015356.

gnomAD v4.1: 1 of 1,613,862 alleles (0.000062%); highest among the groups gnomAD compares: Admixed American, 0.0017%; no homozygotes.

Submissions (2):

Labcorp Genetics (formerly Invitae), Labcorp
Classification: Uncertain significance for Familial cancer of breast; Fanconi anemia complementation group J. Last evaluated: 2025-10-07. Review status: criteria provided, single submitter. Criteria: Invitae Variant Classification Sherloc (09022015). Collection method: clinical testing. Allele origin: germline.
Comment: This sequence change replaces arginine, which is basic and polar, with glycine, which is neutral and non-polar, at codon 264 of the BRIP1 protein (p.Arg264Gly). This variant is present in population databases (no rsID available, gnomAD 0.003%). This variant has not been reported in the literature in individuals affected with BRIP1-related conditions. ClinVar contains an entry for this variant (Variation ID: 530348). Invitae Evidence Modeling of protein sequence and biophysical properties (such as structural, functional, and spatial information, amino acid conservation, physicochemical variation, residue mobility, and thermodynamic stability) has been performed for this missense variant. However, the output from this modeling did not meet the statistical confidence thresholds required to predict the impact of this variant on BRIP1 protein function. In summary, the available evidence is currently insufficient to determine the role of this variant in disease. Therefore, it has been classified as a Variant of Uncertain Significance.

Ambry Genetics
Classification: Uncertain significance for Hereditary cancer-predisposing syndrome. Last evaluated: 2024-06-20. Review status: criteria provided, single submitter. Criteria: Ambry Variant Classification Scheme 2023. Collection method: clinical testing. Allele origin: germline.
Comment: The p.R264G variant (also known as c.790C>G), located in coding exon 6 of the BRIP1 gene, results from a C to G substitution at nucleotide position 790. The arginine at codon 264 is replaced by glycine, an amino acid with dissimilar properties. This amino acid position is not well conserved in available vertebrate species. In addition, the in silico prediction for this alteration is inconclusive. Since supporting evidence is limited at this time, the clinical significance of this alteration remains unclear.

NM_032043.3(BRIP1):c.790C>G (p.Arg264Gly)

Gene: BRIP1 (BRCA1 interacting DNA helicase 1; minus strand). Cytogenetic location: 17q23.2.
Variant type: single nucleotide variant.
Coding change: c.790C>G on transcript NM_032043.3 (MANE Select); coding-DNA position 790, C replaced by G.
Protein change: p.Arg264Gly; replaces arginine 264 with glycine.
Molecular consequence: missense variant.
Genome position (GRCh38, 1-based): chr17:61,808,595, G>C on the plus strand (C>G on the coding strand, the complement: BRIP1 is on the minus strand). VCF-style: chr17-61808595-G-C. GRCh37 (hg19) VCF-style: chr17-59885956-G-C.
Other names: short protein forms R264G.
Identifiers: ClinVar variation 530348 (VCV000530348.15), dbSNP rs28997569, ClinGen allele CA400484904.
Genomic context (GRCh38, chr17:61,808,595, plus strand): 5'-CACAAGTATGATCCCTGCTGGAAAGAATAGTCATTGGAACCCCTGAATATGCCGTCCTCC[G>C]GAGCTCTCTAGTAATCTGAGCAATCTGCTTGTGTGTGCGTGTCCCAAAATATATTTTGGG-3'
Protein context (NP_114432.2, residues 254-274): KQIAQITREL[Arg264Gly]RTAYSGVPMT